The following is an entry in ClinVar:

NM_152618.3(BBS12):c.2014G>A (p.Ala672Thr)

Gene: BBS12 (Bardet-Biedl syndrome 12; plus strand). Cytogenetic location: 4q27.
Variant type: single nucleotide variant.
Coding change: c.2014G>A on transcript NM_152618.3 (MANE Select); coding-DNA position 2014, G replaced by A.
Protein change: p.Ala672Thr; replaces alanine 672 with threonine.
Molecular consequence: missense variant.
Genome position (GRCh38, 1-based): chr4:122,743,906, G>A. VCF-style: chr4-122743906-G-A. GRCh37 (hg19) VCF-style: chr4-123665061-G-A.
Other names: c.2014G>A, p.Ala672Thr (NM_001178007.2); short protein forms A672T.
Identifiers: ClinVar variation 695206 (VCV000695206.22), dbSNP rs140895713, ClinGen allele CA3069548.
Genomic context (GRCh38, chr4:122,743,906, plus strand): 5'-ATTTCAAATAAACTGGAGCAGATTCCGAGAGTTTATGACGTTGTTACACCAAAGATTGAG[G>A]CGTGGCGCCGAGCATTGGATTTAGTATTGTTAGTACTTCAGACAGACAGTGAAATAATTA-3'
Protein context (NP_689831.2, residues 662-682): VYDVVTPKIE[Ala672Thr]WRRALDLVLL

ClinVar aggregate classification (germline): Conflicting classifications of pathogenicity. Review status: criteria provided, conflicting classifications (1 of 4 stars). 6 submissions from 6 submitters: Uncertain significance (1); Benign (3); Likely benign (1). 1 of the submissions does not count toward it. Last evaluated 2026-02-02.

Conditions:
Bardet-Biedl syndrome 12 (BBS12). Identifiers: Orphanet 110, MedGen C1859570, MONDO:0014440, OMIM 615989.
Bardet-Biedl syndrome (BBS). Identifiers: Orphanet 110, MedGen C0752166, MONDO:0015229.

Allele frequency attached by ClinVar (database versions not stated): gnomAD 0.00006 and 0.00028; ESP Exome Variant Server 0.00008; TOPMed 0.00010; gnomAD exomes 0.00058 and 0.00110; 1000 Genomes Project 30x 0.00078; 1000 Genomes Project 0.00080; ExAC 0.00125.
gnomAD v4.1: 893 of 1,606,102 alleles (0.056%); highest among the groups gnomAD compares: South Asian, 0.85%; 13 homozygotes.

Submissions (6):

Labcorp Genetics (formerly Invitae), Labcorp
Classification: Benign for Bardet-Biedl syndrome. Last evaluated: 2026-02-02. Review status: criteria provided, single submitter. Criteria: Invitae Variant Classification Sherloc (09022015). Collection method: clinical testing. Allele origin: germline.

Blueprint Genetics
Classification: Likely benign. Last evaluated: 2024-10-30. Review status: criteria provided, single submitter. Criteria: ACMG Guidelines, 2015. Collection method: clinical testing. Allele origin: germline.

Genome-Nilou Lab
Classification: Benign for Bardet-Biedl syndrome 12. Last evaluated: 2021-07-14. Review status: criteria provided, single submitter. Criteria: ACMG Guidelines, 2015. Collection method: clinical testing. Allele origin: germline. Affected: no.

GeneDx
Classification: Uncertain significance. Last evaluated: 2019-11-11. Review status: criteria provided, single submitter. Criteria: GeneDx Variant Classification Process June 2021. Collection method: clinical testing. Allele origin: germline. Affected: yes.
Comment: In silico analysis, which includes protein predictors and evolutionary conservation, supports a deleterious effect; This variant is associated with the following publications: (PMID: 27708425, 25133751)

Illumina Laboratory Services, Illumina
Classification: Benign for Bardet-Biedl syndrome 12. Last evaluated: 2017-04-27. Review status: criteria provided, single submitter. Criteria: ICSL Variant Classification Criteria 13 December 2019. Collection method: clinical testing. Allele origin: germline.
Comment: This variant was observed as part of a predisposition screen in an ostensibly healthy population. A literature search was performed for the gene, cDNA change, and amino acid change (where applicable). Publications were found based on this search. The evidence from the literature, in combination with allele frequency data from public databases where available, was sufficient to rule this variant out of causing disease. Therefore, this variant is classified as benign.

Natera, Inc.
Classification: Benign for Bardet-Biedl syndrome type 12. Last evaluated: 2020-06-11. Review status: no assertion criteria provided. Collection method: clinical testing. Allele origin: germline. Not counted in ClinVar's aggregate classification.

Literature cited by the submitters: PubMed 27708425 (cited by Illumina Laboratory Services, Illumina).